The following is an entry in ClinVar:

NM_001367624.2(ZNF469):c.4329G>T (p.Arg1443Ser)

Gene: ZNF469 (zinc finger protein 469; plus strand). Cytogenetic location: 16q24.2.
Variant type: single nucleotide variant.
Coding change: c.4329G>T on transcript NM_001367624.2 (MANE Select); coding-DNA position 4329, G replaced by T.
Protein change: p.Arg1443Ser; replaces arginine 1443 with serine.
Molecular consequence: missense variant.
Genome position (GRCh38, 1-based): chr16:88,431,799, G>T. VCF-style: chr16-88431799-G-T. GRCh37 (hg19) VCF-style: chr16-88498207-G-T.
Other names: NM_001127464.1:c.4245G>T; short protein forms R1443S.
Identifiers: ClinVar variation 3476224 (VCV003476224.1).

ClinVar aggregate classification (germline): Uncertain significance (1 of 4 stars; one submission).

Conditions:
Cardiovascular phenotype. Identifiers: MedGen CN230736.

gnomAD v4.1: 1 of 1,549,764 alleles (0.000065%); no homozygotes.

Submission:

Ambry Genetics
Classification: Uncertain significance for Cardiovascular phenotype. Last evaluated: 2024-09-30. Review status: criteria provided, single submitter. Criteria: Ambry Variant Classification Scheme 2023. Collection method: clinical testing. Allele origin: germline.
Comment: The p.R1415S variant (also known as c.4245G>T), located in coding exon 2 of the ZNF469 gene, results from a G to T substitution at nucleotide position 4245. The arginine at codon 1415 is replaced by serine, an amino acid with dissimilar properties. This amino acid position is conserved. In addition, this alteration is predicted to be tolerated by in silico analysis. Based on the available evidence, the clinical significance of this variant remains unclear.